The following is an entry in ClinVar:

NM_001382.4(DPAGT1):c.850T>C (p.Phe284Leu)

Gene: DPAGT1 (dolichyl-phosphate N-acetylglucosaminephosphotransferase 1; minus strand). Cytogenetic location: 11q23.3.
Variant type: single nucleotide variant.
Coding change: c.850T>C on transcript NM_001382.4 (MANE Select); coding-DNA position 850, T replaced by C.
Protein change: p.Phe284Leu; replaces phenylalanine 284 with leucine.
Molecular consequence: missense variant.
Genome position (GRCh38, 1-based): chr11:119,097,922, A>G on the plus strand (T>C on the coding strand, the complement: DPAGT1 is on the minus strand). VCF-style: chr11-119097922-A-G. GRCh37 (hg19) VCF-style: chr11-118968632-A-G.
Other names: short protein forms F284L.
Identifiers: ClinVar variation 2004549 (VCV002004549.4), dbSNP rs751012599, ClinGen allele CA6314521.

ClinVar aggregate classification (germline): Uncertain significance (1 of 4 stars; one submission).

Conditions:
Congenital myasthenic syndrome 13 (CMS13). Also called: Myasthenic syndrome, congenital, with tubular aggregates 2; Myasthenic syndrome, congenital, 13, with tubular aggregates. Identifiers: Orphanet 353327, Orphanet 590, MedGen C3553645, MONDO:0013883, OMIM 614750.
DPAGT1-congenital disorder of glycosylation. Also called: DPAGT1-CDG; CDG Ij; CONGENITAL DISORDER OF GLYCOSYLATION, TYPE Ij. Identifiers: Orphanet 86309, MedGen C2931004, MONDO:0011964, OMIM 608093.

Allele frequency attached by ClinVar (database versions not stated): gnomAD exomes below 0.00001; ExAC 0.00001.
gnomAD v4.1: 1 of 1,614,178 alleles (0.000062%); highest among the groups gnomAD compares: South Asian, 0.0011%; no homozygotes.

Submission:

Labcorp Genetics (formerly Invitae), Labcorp
Classification: Uncertain significance for Congenital myasthenic syndrome 13; DPAGT1-congenital disorder of glycosylation. Last evaluated: 2022-06-10. Review status: criteria provided, single submitter. Criteria: Invitae Variant Classification Sherloc (09022015). Collection method: clinical testing. Allele origin: germline.
Comment: Algorithms developed to predict the effect of missense changes on protein structure and function output the following: SIFT: "Tolerated"; PolyPhen-2: "Benign"; Align-GVGD: "Class C0". The leucine amino acid residue is found in multiple mammalian species, which suggests that this missense change does not adversely affect protein function. Algorithms developed to predict the effect of sequence changes on RNA splicing suggest that this variant may create or strengthen a splice site. In summary, the available evidence is currently insufficient to determine the role of this variant in disease. Therefore, it has been classified as a Variant of Uncertain Significance. This variant has not been reported in the literature in individuals affected with DPAGT1-related conditions. This sequence change replaces phenylalanine, which is neutral and non-polar, with leucine, which is neutral and non-polar, at codon 284 of the DPAGT1 protein (p.Phe284Leu). This variant is present in population databases (rs751012599, gnomAD 0.003%).